The following is an entry in ClinVar:

ClinVar aggregate classification (germline): Uncertain significance (1 of 4 stars; one submission).

Allele frequency attached by ClinVar (database versions not stated): gnomAD 0.00001; TOPMed 0.00002; gnomAD exomes 0.00003 and 0.00005; ExAC 0.00007.
gnomAD v4.1: 52 of 1,614,060 alleles (0.0032%); highest among the groups gnomAD compares: South Asian, 0.036%; no homozygotes.

Submission:

Labcorp Genetics (formerly Invitae), Labcorp
Classification: Uncertain significance. Last evaluated: 2022-04-09. Review status: criteria provided, single submitter. Criteria: Invitae Variant Classification Sherloc (09022015). Collection method: clinical testing. Allele origin: germline.
Comment: This sequence change replaces valine, which is neutral and non-polar, with isoleucine, which is neutral and non-polar, at codon 635 of the LCT protein (p.Val635Ile). This variant is present in population databases (rs757759379, gnomAD 0.04%). This variant has not been reported in the literature in individuals affected with LCT-related conditions. Algorithms developed to predict the effect of missense changes on protein structure and function output the following: SIFT: "Not Available"; PolyPhen-2: "Benign"; Align-GVGD: "Not Available". The isoleucine amino acid residue is found in multiple mammalian species, which suggests that this missense change does not adversely affect protein function. In summary, the available evidence is currently insufficient to determine the role of this variant in disease. Therefore, it has been classified as a Variant of Uncertain Significance.

NM_002299.4(LCT):c.1903G>A (p.Val635Ile)

Gene: LCT (lactase; minus strand). Cytogenetic location: 2q21.3.
Variant type: single nucleotide variant.
Coding change: c.1903G>A on transcript NM_002299.4 (MANE Select); coding-DNA position 1903, G replaced by A.
Protein change: p.Val635Ile; replaces valine 635 with isoleucine.
Molecular consequence: missense variant.
Genome position (GRCh38, 1-based): chr2:135,812,761, C>T on the plus strand (G>A on the coding strand, the complement: LCT is on the minus strand). VCF-style: chr2-135812761-C-T. GRCh37 (hg19) VCF-style: chr2-136570331-C-T.
Other names: short protein forms V635I.
Identifiers: ClinVar variation 1382338 (VCV001382338.3), dbSNP rs757759379, ClinGen allele CA1888323.